The following is an entry in ClinVar:

ClinVar aggregate classification (germline): Uncertain significance. Review status: criteria provided, multiple submitters, no conflicts (2 of 4 stars). 5 submissions from 5 submitters: Uncertain significance (4). 1 of the submissions does not count toward it. Last evaluated 2022-12-13.

Conditions:
Cardiovascular phenotype. Identifiers: MedGen CN230736.
Alstrom syndrome (ALMS). Identifiers: Orphanet 64, MedGen C0268425, MONDO:0008763, OMIM 203800.

Allele frequency attached by ClinVar (database versions not stated): ExAC 0.00002; gnomAD exomes 0.00002; gnomAD 0.00006; ESP Exome Variant Server 0.00008; TOPMed 0.00010.
gnomAD v4.1: 82 of 1,614,070 alleles (0.0051%); highest among the groups gnomAD compares: African/African-American, 0.011%; no homozygotes.

Submissions (5):

Ambry Genetics
Classification: Uncertain significance for Cardiovascular phenotype. Last evaluated: 2022-12-13. Review status: criteria provided, single submitter. Criteria: Ambry Variant Classification Scheme 2023. Collection method: clinical testing. Allele origin: germline.
Comment: The p.S2724Y variant (also known as c.8171C>A), located in coding exon 10 of the ALMS1 gene, results from a C to A substitution at nucleotide position 8171. The serine at codon 2724 is replaced by tyrosine, an amino acid with dissimilar properties. This amino acid position is highly conserved in available vertebrate species. In addition, the in silico prediction for this alteration is inconclusive. Since supporting evidence is limited at this time, the clinical significance of this alteration remains unclear.

Labcorp Genetics (formerly Invitae), Labcorp
Classification: Uncertain significance for Alstrom syndrome. Last evaluated: 2022-04-30. Review status: criteria provided, single submitter. Criteria: Invitae Variant Classification Sherloc (09022015). Collection method: clinical testing. Allele origin: germline.
Comment: This sequence change replaces serine, which is neutral and polar, with tyrosine, which is neutral and polar, at codon 2724 of the ALMS1 protein (p.Ser2724Tyr). This variant is present in population databases (rs368409205, gnomAD 0.004%). This variant has not been reported in the literature in individuals affected with ALMS1-related conditions. ClinVar contains an entry for this variant (Variation ID: 423545). Experimental studies and prediction algorithms are not available or were not evaluated, and the functional significance of this variant is currently unknown. In summary, the available evidence is currently insufficient to determine the role of this variant in disease. Therefore, it has been classified as a Variant of Uncertain Significance.

Fulgent Genetics
Classification: Uncertain significance for Alstrom syndrome. Last evaluated: 2022-02-12. Review status: criteria provided, single submitter. Criteria: ACMG Guidelines, 2015. Collection method: clinical testing. Allele origin: unknown.

GeneDx
Classification: Uncertain significance. Last evaluated: 2017-02-14. Review status: criteria provided, single submitter. Criteria: GeneDx Variant Classification (06012015). Collection method: clinical testing. Allele origin: germline. Affected: yes.
Comment: The S2724Y variant of uncertain significance in the ALMS1 gene has not been published as pathogenic or benign to our knowledge. This variant is not observed at a significant frequency in large population cohorts (Lek et al., 2016; 1000 Genomes Consortium et al., 2015; Exome Variant Server). The S2724Y variant is a semi-conservative amino acid substitution, which may impact secondary protein structure as these residues differ in some properties. This substitution also occurs at a position that is conserved in mammals. Nevertheless, in silico analysis is inconsistent in its predictions as to whether or not the variant is damaging to the protein structure/function. Furthemore, no missense variants in nearby residues have been reported in the Human Gene Mutation Database in association with Alstrom syndrome (Stenson et al., 2014).Therefore, based on the currently available information, it is unclear whether this variant is pathogenic or rare benign.

Counsyl
Classification: Uncertain significance for Alstrom syndrome. Last evaluated: 2017-02-09. Review status: no assertion criteria provided. Collection method: clinical testing. Allele origin: unknown. Not counted in ClinVar's aggregate classification.

NM_001378454.1(ALMS1):c.8168C>A (p.Ser2723Tyr)

Gene: ALMS1 (ALMS1 centrosome and basal body associated protein; plus strand). Cytogenetic location: 2p13.1.
Variant type: single nucleotide variant.
Coding change: c.8168C>A on transcript NM_001378454.1 (MANE Select); coding-DNA position 8168, C replaced by A.
Protein change: p.Ser2723Tyr; replaces serine 2723 with tyrosine.
Molecular consequence: missense variant.
Genome position (GRCh38, 1-based): chr2:73,490,127, C>A. VCF-style: chr2-73490127-C-A. GRCh37 (hg19) VCF-style: chr2-73717254-C-A.
Other names: c.8171C>A, p.Ser2724Tyr (NM_015120.4); short protein forms S2724Y, S2723Y.
Identifiers: ClinVar variation 423545 (VCV000423545.7), dbSNP rs368409205, ClinGen allele CA1714417.